The following is an entry in ClinVar:

NM_015046.7(SETX):c.1343A>C (p.Asp448Ala)

Gene: SETX (senataxin; minus strand). Cytogenetic location: 9q34.13.
Variant type: single nucleotide variant.
Coding change: c.1343A>C on transcript NM_015046.7 (MANE Select); coding-DNA position 1343, A replaced by C.
Protein change: p.Asp448Ala; replaces aspartic acid 448 with alanine.
Molecular consequence: missense variant.
Genome position (GRCh38, 1-based): chr9:132,330,255, T>G on the plus strand (A>C on the coding strand, the complement: SETX is on the minus strand). VCF-style: chr9-132330255-T-G. GRCh37 (hg19) VCF-style: chr9-135205642-T-G.
Other names: c.1343A>C, p.Asp448Ala (NM_001351527.2, NM_001351528.2); short protein forms D448A.
Identifiers: ClinVar variation 1256247 (VCV001256247.6), dbSNP rs370363342, ClinGen allele CA200814391.

ClinVar aggregate classification (germline): Conflicting classifications of pathogenicity. Review status: criteria provided, conflicting classifications (1 of 4 stars). 3 submissions from 3 submitters: Uncertain significance (2); Likely benign (1). Last evaluated 2025-06-04.

Conditions:
SETX-related disorder. Also called: SETX-related condition; SETX-related disorders. Identifiers: MedGen CN239403.
Amyotrophic lateral sclerosis type 4 (ALS4). Also called: AMYOTROPHIC LATERAL SCLEROSIS 4, JUVENILE; NEURONOPATHY, DISTAL HEREDITARY MOTOR, WITH PYRAMIDAL FEATURES. Identifiers: Orphanet 357043, MedGen C1865409, MONDO:0011223, OMIM 602433.
Spinocerebellar ataxia, autosomal recessive, with axonal neuropathy 2 (SCAN2). Also called: Ataxia with Oculomotor Apraxia; ATAXIA-OCULOMOTOR APRAXIA 2; Ataxia with Oculomotor Apraxia Type 2; Ataxia-ocular apraxia-2. Identifiers: Orphanet 64753, MedGen C1853761, MONDO:0018996, OMIM 606002.

Allele frequency attached by ClinVar (database versions not stated): ESP Exome Variant Server 0.00008.
gnomAD v4.1: 11 of 1,578,776 alleles (0.0007%); highest among the groups gnomAD compares: Non-Finnish European, 0.00095%; no homozygotes.

Submissions (3):

PreventionGenetics, part of Exact Sciences
Classification: Uncertain significance for SETX-related condition. Last evaluated: 2025-06-04. Review status: criteria provided, single submitter. Criteria: ACMG Guidelines, 2015. Collection method: clinical testing. Allele origin: germline.
Comment: The SETX c.1343A>C variant is predicted to result in the amino acid substitution p.Asp448Ala. To our knowledge, this variant has not been reported in the literature. This variant is reported in 0.00096% of alleles in individuals of European (Non-Finnish) descent in gnomAD. At this time, the clinical significance of this variant is uncertain due to the absence of conclusive functional and genetic evidence.

Labcorp Genetics (formerly Invitae), Labcorp
Classification: Likely benign for Amyotrophic lateral sclerosis type 4; Spinocerebellar ataxia, autosomal recessive, with axonal neuropathy 2. Last evaluated: 2023-10-23. Review status: criteria provided, single submitter. Criteria: Invitae Variant Classification Sherloc (09022015). Collection method: clinical testing. Allele origin: germline.

Athena Diagnostics
Classification: Uncertain significance. Last evaluated: 2021-09-23. Review status: criteria provided, single submitter. Criteria: Athena Diagnostics Criteria. Collection method: clinical testing. Allele origin: unknown.